The following is an entry in ClinVar:

ClinVar aggregate classification (germline): Uncertain significance. Review status: criteria provided, multiple submitters, no conflicts (2 of 4 stars). 2 submissions from 2 submitters: Uncertain significance (2). Last evaluated 2025-12-23.

Conditions:
Inborn genetic diseases. Identifiers: MedGen C0950123, MeSH D030342.
Neuronopathy, distal hereditary motor, autosomal recessive 4. Also called: Autosomal recessive lower motor neuron disease with childhood onset; NEUROPATHY, DISTAL HEREDITARY MOTOR, AUTOSOMAL RECESSIVE 4. Identifiers: Orphanet 206580, MedGen C1970211, MONDO:0012608, OMIM 611067.
Charcot-Marie-Tooth disease recessive intermediate C. Also called: CHARCOT-MARIE-TOOTH NEUROPATHY, RECESSIVE INTERMEDIATE C. Identifiers: Orphanet 369867, MedGen C3809309, MONDO:0014154, OMIM 615376.

Allele frequency attached by ClinVar (database versions not stated): gnomAD exomes 0.00005 and 0.00006; ExAC 0.00019; ESP Exome Variant Server 0.00025.
gnomAD v4.1: 74 of 1,547,712 alleles (0.0048%); highest among the groups gnomAD compares: South Asian, 0.032%; no homozygotes.

Submissions (2):

Labcorp Genetics (formerly Invitae), Labcorp
Classification: Uncertain significance for Neuronopathy, distal hereditary motor, autosomal recessive 4; Charcot-Marie-Tooth disease recessive intermediate C. Last evaluated: 2025-12-23. Review status: criteria provided, single submitter. Criteria: Invitae Variant Classification Sherloc (09022015). Collection method: clinical testing. Allele origin: germline.
Comment: This sequence change replaces threonine, which is neutral and polar, with methionine, which is neutral and non-polar, at codon 222 of the PLEKHG5 protein (p.Thr222Met). This variant is present in population databases (rs373678202, gnomAD 0.04%). This variant has not been reported in the literature in individuals affected with PLEKHG5-related conditions. ClinVar contains an entry for this variant (Variation ID: 1440820). An algorithm developed to predict the effect of missense changes on protein structure and function outputs the following: PolyPhen-2: "Benign". The methionine amino acid residue is found in multiple mammalian species, which suggests that this missense change does not adversely affect protein function. In summary, the available evidence is currently insufficient to determine the role of this variant in disease. Therefore, it has been classified as a Variant of Uncertain Significance.

Ambry Genetics
Classification: Uncertain significance for Inborn genetic diseases. Last evaluated: 2024-04-08. Review status: criteria provided, single submitter. Criteria: Ambry Variant Classification Scheme 2023. Collection method: clinical testing. Allele origin: germline.

NM_020631.6(PLEKHG5):c.665C>T (p.Thr222Met)

Gene: PLEKHG5 (pleckstrin homology and RhoGEF domain containing G5; minus strand). Cytogenetic location: 1p36.31.
Variant type: single nucleotide variant.
Coding change: c.665C>T on transcript NM_020631.6 (MANE Select); coding-DNA position 665, C replaced by T.
Protein change: p.Thr222Met; replaces threonine 222 with methionine.
Molecular consequence: missense variant.
Genome position (GRCh38, 1-based): chr1:6,473,381, G>A on the plus strand (C>T on the coding strand, the complement: PLEKHG5 is on the minus strand). VCF-style: chr1-6473381-G-A. GRCh37 (hg19) VCF-style: chr1-6533441-G-A.
Other names: c.776C>T, p.Thr259Met (NM_001042663.3, NM_001265592.2); c.665C>T, p.Thr222Met (NM_001042664.2, NM_001042665.2, NM_001265594.3 and 1 more transcripts); c.872C>T, p.Thr291Met (NM_001265593.2); short protein forms T291M, T222M, T259M.
Identifiers: ClinVar variation 1440820 (VCV001440820.7), dbSNP rs373678202, ClinGen allele CA561775.